The following is an entry in ClinVar:

NM_003292.3(TPR):c.6081T>G (p.Gly2027=)

Gene: TPR (translocated promoter region, nuclear basket protein; minus strand). Cytogenetic location: 1q31.1.
Variant type: single nucleotide variant.
Coding change: c.6081T>G on transcript NM_003292.3 (MANE Select); coding-DNA position 6081, T replaced by G.
Protein change: p.Gly2027=; no amino-acid change (glycine 2027 retained).
Molecular consequence: synonymous variant.
Genome position (GRCh38, 1-based): chr1:186,325,795, A>C on the plus strand (T>G on the coding strand, the complement: TPR is on the minus strand). VCF-style: chr1-186325795-A-C. GRCh37 (hg19) VCF-style: chr1-186294927-A-C.
Identifiers: ClinVar variation 4533441 (VCV004533441.6).

ClinVar aggregate classification (germline): Benign (1 of 4 stars; one submission).

Submission:

CeGaT Center for Human Genetics Tuebingen
Classification: Benign. Last evaluated: 2025-11-01. Review status: criteria provided, single submitter. Criteria: CeGaT Center For Human Genetics Tuebingen Variant Classification Criteria Version 2. Collection method: clinical testing. Allele origin: germline. Affected: yes. Observed: 1 variant allele.
Comment: TPR: BP4, BS1, BS2